The following is an entry in ClinVar:

ClinVar aggregate classification (germline): Uncertain significance. Review status: criteria provided, multiple submitters, no conflicts (2 of 4 stars). 3 submissions from 3 submitters: Uncertain significance (3). Last evaluated 2025-01-08.

Conditions:
Hereditary cancer-predisposing syndrome. Also called: Neoplastic Syndromes, Hereditary; Hereditary Cancer Syndrome; Hereditary neoplastic syndrome; Tumor predisposition. Identifiers: Orphanet 140162, MedGen C0027672, MeSH D009386, MONDO:0015356.
Rhabdoid tumor predisposition syndrome 2 (RTPS2). Identifiers: Orphanet 231108, Orphanet 69077, MedGen C2750074, MONDO:0013224, OMIM 613325.

Allele frequency attached by ClinVar (database versions not stated): gnomAD exomes below 0.00001.

Submissions (3):

Ambry Genetics
Classification: Uncertain significance for Hereditary cancer-predisposing syndrome. Last evaluated: 2025-01-08. Review status: criteria provided, single submitter. Criteria: Ambry Variant Classification Scheme 2023. Collection method: clinical testing. Allele origin: germline.
Comment: The p.R408K variant (also known as c.1223G>A), located in coding exon 6 of the SMARCA4 gene, results from a G to A substitution at nucleotide position 1223. The arginine at codon 408 is replaced by lysine, an amino acid with highly similar properties. This amino acid position is highly conserved in available vertebrate species. In addition, this alteration is predicted to be tolerated by in silico analysis. Based on the available evidence, the clinical significance of this variant remains unclear.

Baylor Genetics
Classification: Uncertain significance for Rhabdoid tumor predisposition syndrome 2. Last evaluated: 2023-11-18. Review status: criteria provided, single submitter. Criteria: ACMG Guidelines, 2015. Collection method: clinical testing. Allele origin: unknown.

Labcorp Genetics (formerly Invitae), Labcorp
Classification: Uncertain significance for Rhabdoid tumor predisposition syndrome 2. Last evaluated: 2020-10-01. Review status: criteria provided, single submitter. Criteria: Invitae Variant Classification Sherloc (09022015). Collection method: clinical testing. Allele origin: germline.
Comment: This sequence change replaces arginine with lysine at codon 408 of the SMARCA4 protein (p.Arg408Lys). The arginine residue is highly conserved and there is a small physicochemical difference between arginine and lysine. This variant is not present in population databases (ExAC no frequency). In summary, the available evidence is currently insufficient to determine the role of this variant in disease. Therefore, it has been classified as a Variant of Uncertain Significance. Algorithms developed to predict the effect of missense changes on protein structure and function (SIFT, PolyPhen-2, Align-GVGD) all suggest that this variant is likely to be disruptive, but these predictions have not been confirmed by published functional studies and their clinical significance is uncertain. This variant has not been reported in the literature in individuals with SMARCA4-related conditions.

NM_003072.5(SMARCA4):c.1223G>A (p.Arg408Lys)

Gene: SMARCA4 (SWI/SNF related BAF chromatin remodeling complex subunit ATPase 4; plus strand). Cytogenetic location: 19p13.2.
Variant type: single nucleotide variant.
Coding change: c.1223G>A on transcript NM_003072.5 (MANE Select); coding-DNA position 1223, G replaced by A.
Protein change: p.Arg408Lys; replaces arginine 408 with lysine.
Molecular consequence: missense variant. On other transcripts: non-coding transcript variant (1).
Genome position (GRCh38, 1-based): chr19:10,989,421, G>A. VCF-style: chr19-10989421-G-A. GRCh37 (hg19) VCF-style: chr19-11100097-G-A.
Other names: c.1223G>A, p.Arg408Lys (NM_001128844.3, NM_001128845.2, NM_001128846.2 and 5 more transcripts); short protein forms R408K.
Identifiers: ClinVar variation 1061476 (VCV001061476.13), dbSNP rs2145849759, ClinGen allele CA404059757.